The following is an entry in ClinVar:

NM_000051.4(ATM):c.3545A>C (p.Glu1182Ala)

Gene: ATM (ATM serine/threonine kinase; plus strand). Cytogenetic location: 11q22.3.
Variant type: single nucleotide variant.
Coding change: c.3545A>C on transcript NM_000051.4 (MANE Select); coding-DNA position 3545, A replaced by C.
Protein change: p.Glu1182Ala; replaces glutamic acid 1182 with alanine.
Molecular consequence: missense variant.
Genome position (GRCh38, 1-based): chr11:108,281,137, A>C. VCF-style: chr11-108281137-A-C. GRCh37 (hg19) VCF-style: chr11-108151864-A-C.
Other names: c.3545A>C, p.Glu1182Ala (NM_001351834.2); short protein forms E1182A.
Identifiers: ClinVar variation 4169774 (VCV004169774.1).

ClinVar aggregate classification (germline): Uncertain significance (1 of 4 stars; one submission).

Conditions:
Hereditary cancer-predisposing syndrome. Also called: Neoplastic Syndromes, Hereditary; Tumor predisposition; Hereditary Cancer Syndrome; Hereditary neoplastic syndrome. Identifiers: Orphanet 140162, MedGen C0027672, MeSH D009386, MONDO:0015356.

Submission:

Ambry Genetics
Classification: Uncertain significance for Hereditary cancer-predisposing syndrome. Last evaluated: 2025-08-01. Review status: criteria provided, single submitter. Criteria: Ambry Variant Classification Scheme 2023. Collection method: clinical testing. Allele origin: germline.
Comment: The p.E1182A variant (also known as c.3545A>C), located in coding exon 23 of the ATM gene, results from an A to C substitution at nucleotide position 3545. The glutamic acid at codon 1182 is replaced by alanine, an amino acid with dissimilar properties. This amino acid position is conserved. In addition, the in silico prediction for this alteration is inconclusive. Based on the available evidence, the clinical significance of this variant remains unclear.